The following is an entry in ClinVar:

NM_000136.3(FANCC):c.1554A>G (p.Ile518Met)

Genes: AOPEP (aminopeptidase O (putative); plus strand), FANCC (FA complementation group C; minus strand). Cytogenetic location: 9q22.32.
Variant type: single nucleotide variant.
Coding change: c.1554A>G on transcript NM_000136.3 (MANE Select); coding-DNA position 1554, A replaced by G.
Protein change: p.Ile518Met; replaces isoleucine 518 with methionine.
Molecular consequence: missense variant.
Genome position (GRCh38, 1-based): chr9:95,101,830, T>C on the plus strand (A>G on the coding strand, the complement: FANCC is on the minus strand). VCF-style: chr9-95101830-T-C. GRCh37 (hg19) VCF-style: chr9-97864112-T-C.
Other names: c.1554A>G, p.Ile518Met (NM_001243743.2); short protein forms I518M.
Identifiers: ClinVar variation 1775115 (VCV001775115.2), dbSNP rs2540750807, ClinGen allele CA374104781.

ClinVar aggregate classification (germline): Uncertain significance (1 of 4 stars; one submission).

Conditions:
Hereditary cancer-predisposing syndrome. Also called: Hereditary Cancer Syndrome; Hereditary neoplastic syndrome; Neoplastic Syndromes, Hereditary; Tumor predisposition. Identifiers: Orphanet 140162, MedGen C0027672, MeSH D009386, MONDO:0015356.

gnomAD v4.1: 2 of 1,614,022 alleles (0.00012%); no homozygotes.

Submission:

Ambry Genetics
Classification: Uncertain significance for Hereditary cancer-predisposing syndrome. Last evaluated: 2021-06-23. Review status: criteria provided, single submitter. Criteria: Ambry Variant Classification Scheme 2023. Collection method: clinical testing. Allele origin: germline.
Comment: The p.I518M variant (also known as c.1554A>G), located in coding exon 14 of the FANCC gene, results from an A to G substitution at nucleotide position 1554. The isoleucine at codon 518 is replaced by methionine, an amino acid with highly similar properties. This amino acid position is conserved. In addition, this alteration is predicted to be tolerated by in silico analysis. Since supporting evidence is limited at this time, the clinical significance of this alteration remains unclear.